The following is an entry in ClinVar:

NM_181882.3(PRX):c.2440T>C (p.Ser814Pro)

Gene: PRX (periaxin; minus strand). Cytogenetic location: 19q13.2.
Variant type: single nucleotide variant.
Coding change: c.2440T>C on transcript NM_181882.3 (MANE Select); coding-DNA position 2440, T replaced by C.
Protein change: p.Ser814Pro; replaces serine 814 with proline.
Molecular consequence: missense variant. On other transcripts: 3 prime UTR variant (1).
Genome position (GRCh38, 1-based): chr19:40,395,912, A>G on the plus strand (T>C on the coding strand, the complement: PRX is on the minus strand). VCF-style: chr19-40395912-A-G. GRCh37 (hg19) VCF-style: chr19-40901819-A-G.
Other names: c.*2645T>C (NM_020956.2); short protein forms S814P.
Identifiers: ClinVar variation 579896 (VCV000579896.9), dbSNP rs201809431, ClinGen allele CA9444056.

ClinVar aggregate classification (germline): Uncertain significance (1 of 4 stars; one submission).

Conditions:
Charcot-Marie-Tooth disease type 4. Also called: Charcot-Marie-Tooth, Type 4; Charcot-Marie-Tooth disease, type IV. Identifiers: Orphanet 64749, MedGen C4082197, MONDO:0018995.

Allele frequency attached by ClinVar (database versions not stated): gnomAD exomes below 0.00001; ExAC 0.00002; 1000 Genomes Project 30x 0.00016; 1000 Genomes Project 0.00020.

Submission:

Labcorp Genetics (formerly Invitae), Labcorp
Classification: Uncertain significance for Charcot-Marie-Tooth disease type 4. Last evaluated: 2024-02-23. Review status: criteria provided, single submitter. Criteria: Invitae Variant Classification Sherloc (09022015). Collection method: clinical testing. Allele origin: germline.
Comment: This sequence change replaces serine, which is neutral and polar, with proline, which is neutral and non-polar, at codon 814 of the PRX protein (p.Ser814Pro). This variant is present in population databases (rs201809431, gnomAD 0.007%). This variant has not been reported in the literature in individuals affected with PRX-related conditions. ClinVar contains an entry for this variant (Variation ID: 579896). Algorithms developed to predict the effect of missense changes on protein structure and function output the following: SIFT: "Not Available"; PolyPhen-2: "Possibly Damaging"; Align-GVGD: "Not Available". The proline amino acid residue is found in multiple mammalian species, which suggests that this missense change does not adversely affect protein function. In summary, the available evidence is currently insufficient to determine the role of this variant in disease. Therefore, it has been classified as a Variant of Uncertain Significance.